The following is an entry in ClinVar:

NM_006907.4(PYCR1):c.*68C>T

Gene: PYCR1 (pyrroline-5-carboxylate reductase 1; minus strand). Cytogenetic location: 17q25.3.
Variant type: single nucleotide variant.
Coding change: c.*68C>T on transcript NM_006907.4 (MANE Select); 68 bases downstream of the stop codon, C replaced by T.
Molecular consequence: 3 prime UTR variant. On other transcripts: intron variant (1).
Genome position (GRCh38, 1-based): chr17:81,933,146, G>A on the plus strand (C>T on the coding strand, the complement: PYCR1 is on the minus strand). VCF-style: chr17-81933146-G-A. GRCh37 (hg19) VCF-style: chr17-79891022-G-A.
Other names: c.*68C>T (NM_001282279.2, NM_001282280.2, NM_001282281.2); c.*210C>T (NM_001330523.2); c.867+161C>T (NM_153824.3).
Identifiers: ClinVar variation 325900 (VCV000325900.6), dbSNP rs113083225, ClinGen allele CA10640956.
Genomic context (GRCh38, chr17:81,933,146, plus strand): 5'-GGCTATGTCCCTGGCTGGCCCCTGCGCTGATCAGAGCCACAGAAAGTGGGCCACTTTGGG[G>A]ACCCCCTAGTCCCCCTAGTGACAAGAGAAGAGAAGGTGGTGGCAGGATGGTGGTCAGGCA-3'

ClinVar aggregate classification (germline): Benign. Review status: criteria provided, multiple submitters, no conflicts (2 of 4 stars). 2 submissions from 2 submitters: Benign (2). Last evaluated 2018-01-13.

Conditions:
Cutis laxa. Identifiers: Orphanet 209, MedGen C0010495, MONDO:0016175, HP:0000973.

Allele frequency attached by ClinVar (database versions not stated): TOPMed 0.00835; gnomAD exomes 0.00078; 1000 Genomes Project 30x 0.00609; 1000 Genomes Project 0.00639; gnomAD 0.00703 and 0.00744.
gnomAD v4.1: 2,303 of 1,608,588 alleles (0.14%); highest among the groups gnomAD compares: African/African-American, 2.6%; 28 homozygotes.

Submissions (2):

Illumina Laboratory Services, Illumina
Classification: Benign for Cutis laxa. Last evaluated: 2018-01-13. Review status: criteria provided, single submitter. Criteria: ICSL Variant Classification Criteria 13 December 2019. Collection method: clinical testing. Allele origin: germline.
Comment: This variant was observed in the ICSL laboratory as part of a predisposition screen in an ostensibly healthy population. It had not been previously curated by ICSL or reported in the Human Gene Mutation Database (HGMD: prior to June 1st, 2018), and was therefore a candidate for classification through an automated scoring system. Utilizing variant allele frequency, disease prevalence and penetrance estimates, and inheritance mode, an automated score was calculated to assess if this variant is too frequent to cause the disease. Based on the score and internal cut-off values, a variant classified as benign is not then subjected to further curation. The score for this variant resulted in a classification of benign for this disease.

Breakthrough Genomics
Classification: Benign. Review status: criteria provided, single submitter. Criteria: ACMG Guidelines, 2015. Collection method: not provided. Allele origin: germline. Inheritance: Autosomal recessive inheritance. Affected: yes.